The following is an entry in ClinVar:

NM_198994.3(TGM6):c.653C>T (p.Thr218Ile)

Gene: TGM6 (transglutaminase 6; plus strand). Cytogenetic location: 20p13.
Variant type: single nucleotide variant.
Coding change: c.653C>T on transcript NM_198994.3 (MANE Select); coding-DNA position 653, C replaced by T.
Protein change: p.Thr218Ile; replaces threonine 218 with isoleucine.
Molecular consequence: missense variant.
Genome position (GRCh38, 1-based): chr20:2,398,027, C>T. VCF-style: chr20-2398027-C-T. GRCh37 (hg19) VCF-style: chr20-2378673-C-T.
Other names: c.653C>T, p.Thr218Ile (NM_001254734.2); short protein forms T218I.
Identifiers: ClinVar variation 2752010 (VCV002752010.3), dbSNP rs2122356221, ClinGen allele CA408010772.
Genomic context (GRCh38, chr20:2,398,027, plus strand): 5'-CCGGTCACCAAAACAACCCAGCCACCGACGTGTCCTGCCGCCACAACCCCATCTACGTCA[C>T]CAGGGTCATCAGTGCCATGGTGAGAAGCCCCTCCATCCCTGCACATGTACTTCCTCAAGG-3'
Protein context (NP_945345.2, residues 208-228): VSCRHNPIYV[Thr218Ile]RVISAMVNSN

ClinVar aggregate classification (germline): Uncertain significance (1 of 4 stars; one submission).

Submission:

Labcorp Genetics (formerly Invitae), Labcorp
Classification: Uncertain significance. Last evaluated: 2023-08-19. Review status: criteria provided, single submitter. Criteria: Invitae Variant Classification Sherloc (09022015). Collection method: clinical testing. Allele origin: germline.
Comment: This variant is not present in population databases (gnomAD no frequency). This sequence change replaces threonine, which is neutral and polar, with isoleucine, which is neutral and non-polar, at codon 218 of the TGM6 protein (p.Thr218Ile). This variant has not been reported in the literature in individuals affected with TGM6-related conditions. In summary, the available evidence is currently insufficient to determine the role of this variant in disease. Therefore, it has been classified as a Variant of Uncertain Significance. Advanced modeling of protein sequence and biophysical properties (such as structural, functional, and spatial information, amino acid conservation, physicochemical variation, residue mobility, and thermodynamic stability) performed at Invitae indicates that this missense variant is not expected to disrupt TGM6 protein function.